The following is an entry in ClinVar:

NM_015001.3(SPEN):c.4289A>G (p.Lys1430Arg)

Gene: SPEN (spen family transcriptional repressor; plus strand). Cytogenetic location: 1p36.13.
Variant type: single nucleotide variant.
Coding change: c.4289A>G on transcript NM_015001.3 (MANE Select); coding-DNA position 4289, A replaced by G.
Protein change: p.Lys1430Arg; replaces lysine 1430 with arginine.
Molecular consequence: missense variant.
Genome position (GRCh38, 1-based): chr1:15,930,529, A>G. VCF-style: chr1-15930529-A-G. GRCh37 (hg19) VCF-style: chr1-16257024-A-G.
Other names: short protein forms K1430R.
Identifiers: ClinVar variation 2505690 (VCV002505690.1), dbSNP rs754964125, ClinGen allele CA619563.
Genomic context (GRCh38, chr1:15,930,529, plus strand): 5'-ACAGAGAAGACAAGCTACGTGAGCGAGATGAAAGACTCTCTAGTTCTTTAGAAAGGAACA[A>G]ATTTTACTCTTTTGCATTGGATAAGACAATCACACCAGACACTAAAGCTTTGCTTGAAAG-3'
Protein context (NP_055816.2, residues 1420-1440): ERLSSSLERN[Lys1430Arg]FYSFALDKTI

ClinVar aggregate classification (germline): Uncertain significance (1 of 4 stars; one submission).

Allele frequency attached by ClinVar (database versions not stated): gnomAD exomes below 0.00001; ExAC 0.00001; gnomAD 0.00001.
gnomAD v4.1: 4 of 1,614,076 alleles (0.00025%); highest among the groups gnomAD compares: African/African-American, 0.0027%; no homozygotes.

Submission:

GeneDx
Classification: Uncertain significance. Last evaluated: 2022-12-19. Review status: criteria provided, single submitter. Criteria: GeneDx Variant Classification Process June 2021. Collection method: clinical testing. Allele origin: germline. Affected: yes.
Comment: Not observed at significant frequency in large population cohorts (gnomAD); In silico analysis supports that this missense variant does not alter protein structure/function; Has not been previously published as pathogenic or benign to our knowledge